The following is an entry in ClinVar:

ClinVar aggregate classification (germline): Uncertain significance (1 of 4 stars; one submission).

Conditions:
Idiopathic generalized epilepsy. Also called: EIG; Generalised epilepsy. Identifiers: MedGen C0270850, MONDO:0005579, OMIM 600669.

Submission:

Labcorp Genetics (formerly Invitae), Labcorp
Classification: Uncertain significance for Idiopathic generalized epilepsy. Last evaluated: 2022-01-07. Review status: criteria provided, single submitter. Criteria: Invitae Variant Classification Sherloc (09022015). Collection method: clinical testing. Allele origin: germline.
Comment: Algorithms developed to predict the effect of missense changes on protein structure and function (SIFT, PolyPhen-2, Align-GVGD) all suggest that this variant is likely to be tolerated. ClinVar contains an entry for this variant (Variation ID: 1026170). This variant has not been reported in the literature in individuals affected with RBFOX1-related conditions. This variant is not present in population databases (gnomAD no frequency). This sequence change replaces valine, which is neutral and non-polar, with isoleucine, which is neutral and non-polar, at codon 234 of the RBFOX1 protein (p.Val234Ile). In summary, the available evidence is currently insufficient to determine the role of this variant in disease. Therefore, it has been classified as a Variant of Uncertain Significance.

NM_018723.4(RBFOX1):c.640G>A (p.Val214Ile)

Gene: RBFOX1 (RNA binding fox-1 homolog 1; plus strand). Cytogenetic location: 16p13.3.
Variant type: single nucleotide variant.
Coding change: c.640G>A on transcript NM_018723.4 (MANE Select); coding-DNA position 640, G replaced by A.
Protein change: p.Val214Ile; replaces valine 214 with isoleucine.
Molecular consequence: missense variant.
Genome position (GRCh38, 1-based): chr16:7,607,302, G>A. VCF-style: chr16-7607302-G-A. GRCh37 (hg19) VCF-style: chr16-7657304-G-A.
Other names: c.640G>A, p.Val214Ile (NM_001142333.2, NM_001142334.2, NM_001364800.2); c.769G>A, p.Val257Ile (NM_001308117.1); c.700G>A, p.Val234Ile (NM_145891.3, NM_145892.3, NM_145893.3); short protein forms V214I, V234I, V257I.
Identifiers: ClinVar variation 1026170 (VCV001026170.9), dbSNP rs372085042, ClinGen allele CA394683200.
Genomic context (GRCh38, chr16:7,607,302, plus strand): 5'-TGAATCAAATGTGATAATAATGTTTTTGTGTATTTGTTTTAAGGCTGGAAATTGAATCCA[G>A]TTGTGGGTGCAGTCTACAGTCCCGAATTCTATGCAGGTACAGAGTTTCTCTTTGCACGAA-3'
Protein context (NP_061193.2, residues 204-224): PYTNGWKLNP[Val214Ile]VGAVYSPEFY